The following is an entry in ClinVar:

NM_199420.4(POLQ):c.169T>G (p.Cys57Gly)

Gene: POLQ (DNA polymerase theta; minus strand). Cytogenetic location: 3q13.33.
Variant type: single nucleotide variant.
Coding change: c.169T>G on transcript NM_199420.4 (MANE Select); coding-DNA position 169, T replaced by G.
Protein change: p.Cys57Gly; replaces cysteine 57 with glycine.
Molecular consequence: missense variant.
Genome position (GRCh38, 1-based): chr3:121,544,901, A>C on the plus strand (T>G on the coding strand, the complement: POLQ is on the minus strand). VCF-style: chr3-121544901-A-C. GRCh37 (hg19) VCF-style: chr3-121263748-A-C.
Other names: short protein forms C57G.
Identifiers: ClinVar variation 2497216 (VCV002497216.2), dbSNP rs2546828042, ClinGen allele CA354095098.

ClinVar aggregate classification (germline): Uncertain significance (1 of 4 stars; one submission).

Submission:

Ambry Genetics
Classification: Uncertain significance. Last evaluated: 2022-12-17. Review status: criteria provided, single submitter. Criteria: Ambry Variant Classification Scheme 2023. Collection method: clinical testing. Allele origin: germline.
Comment: The p.C57G variant (also known as c.169T>G), located in coding exon 2 of the POLQ gene, results from a T to G substitution at nucleotide position 169. The cysteine at codon 57 is replaced by glycine, an amino acid with highly dissimilar properties. This amino acid position is conserved. In addition, this alteration is predicted to be tolerated by in silico analysis. Since supporting evidence is limited at this time, the clinical significance of this alteration remains unclear.